The following is an entry in ClinVar:

ClinVar aggregate classification (germline): Uncertain significance (1 of 4 stars; one submission).

Conditions:
Glanzmann thrombasthenia. Also called: Glanzmann's thrombasthenia; BLEEDING DISORDER, PLATELET-TYPE, 2; THROMBASTHENIA OF GLANZMANN AND NAEGELI; Thrombasthenia; PLATELET GLYCOPROTEIN IIb-IIIa DEFICIENCY. Identifiers: Orphanet 849, MedGen C0040015, MONDO:0100326.

gnomAD v4.1: 7 of 1,612,818 alleles (0.00043%); highest among the groups gnomAD compares: Non-Finnish European, 0.00059%; no homozygotes.

Submission:

Labcorp Genetics (formerly Invitae), Labcorp
Classification: Uncertain significance for Glanzmann thrombasthenia. Last evaluated: 2023-07-03. Review status: criteria provided, single submitter. Criteria: Invitae Variant Classification Sherloc (09022015). Collection method: clinical testing. Allele origin: germline.
Comment: In summary, the available evidence is currently insufficient to determine the role of this variant in disease. Therefore, it has been classified as a Variant of Uncertain Significance. Variants that disrupt the consensus splice site are a relatively common cause of aberrant splicing (PMID: 17576681, 9536098). Algorithms developed to predict the effect of sequence changes on RNA splicing suggest that this variant may disrupt the consensus splice site. This variant has not been reported in the literature in individuals affected with ITGA2B-related conditions. This variant is not present in population databases (gnomAD no frequency). This sequence change falls in intron 28 of the ITGA2B gene. It does not directly change the encoded amino acid sequence of the ITGA2B protein. It affects a nucleotide within the consensus splice site.

Literature cited by the submitters: PubMed 17576681; PubMed 9536098.

NM_000419.5(ITGA2B):c.2943+3G>T

Gene: ITGA2B (integrin subunit alpha 2b; minus strand). Cytogenetic location: 17q21.31.
Variant type: single nucleotide variant.
Coding change: c.2943+3G>T on transcript NM_000419.5 (MANE Select); 3 bases into the intron after coding-DNA position 2943, G replaced by T.
Molecular consequence: intron variant.
Genome position (GRCh38, 1-based): chr17:44,374,656, C>A on the plus strand (G>T on the coding strand, the complement: ITGA2B is on the minus strand). VCF-style: chr17-44374656-C-A. GRCh37 (hg19) VCF-style: chr17-42452024-C-A.
Identifiers: ClinVar variation 2890806 (VCV002890806.3), dbSNP rs937796082, ClinGen allele CA2261365345.